The following is an entry in ClinVar:

ClinVar aggregate classification (germline): Benign. Review status: criteria provided, multiple submitters, no conflicts (2 of 4 stars). 12 submissions from 12 submitters: Benign (8). 4 of the submissions do not count toward it. Last evaluated 2026-02-04.

Conditions:
Refsum disease, classic. Also called: HEREDOPATHIA ATACTICA POLYNEURITIFORMIS; HMSN IV; PHYH-Related Refsum Disease; PHYTANIC ACID OXIDASE DEFICIENCY. Identifiers: Orphanet 773, MedGen C5780941, MONDO:1060256, OMIM 266500. Disease mechanism: loss of function.

Allele frequency attached by ClinVar (database versions not stated): gnomAD 0.97091 and 0.96869; 1000 Genomes Project 0.97244; gnomAD exomes 0.99239 and 0.99662; ESP Exome Variant Server 0.96593; 1000 Genomes Project 30x 0.96877; TOPMed 0.96704; ExAC 0.99078.
gnomAD v4.1: 1,304,828 of 1,313,394 alleles (99%); highest among the groups gnomAD compares: East Asian, 100%; 648,562 homozygotes.

Submissions (12):

Labcorp Genetics (formerly Invitae), Labcorp
Classification: Benign. Last evaluated: 2026-02-04. Review status: criteria provided, single submitter. Criteria: Invitae Variant Classification Sherloc (09022015). Collection method: clinical testing. Allele origin: germline.

Blueprint Genetics
Classification: Benign. Last evaluated: 2024-11-27. Review status: criteria provided, single submitter. Criteria: ACMG Guidelines, 2015. Collection method: clinical testing. Allele origin: germline.

Genome-Nilou Lab
Classification: Benign for Refsum disease, classic. Last evaluated: 2021-09-05. Review status: criteria provided, single submitter. Criteria: ACMG Guidelines, 2015. Collection method: clinical testing. Allele origin: germline. Affected: no.

GeneDx
Classification: Benign. Last evaluated: 2018-06-18. Review status: criteria provided, single submitter. Criteria: GeneDx Variant Classification (06012015). Collection method: clinical testing. Allele origin: germline. Affected: yes.
Comment: This variant is considered likely benign or benign based on one or more of the following criteria: it is a conservative change, it occurs at a poorly conserved position in the protein, it is predicted to be benign by multiple in silico algorithms, and/or has population frequency not consistent with disease.

Illumina Laboratory Services, Illumina
Classification: Benign for Refsum disease, classic. Last evaluated: 2018-01-13. Review status: criteria provided, single submitter. Criteria: ICSL Variant Classification Criteria 13 December 2019. Collection method: clinical testing. Allele origin: germline.
Comment: This variant was observed in the ICSL laboratory as part of a predisposition screen in an ostensibly healthy population. It had not been previously curated by ICSL or reported in the Human Gene Mutation Database (HGMD: prior to June 1st, 2018), and was therefore a candidate for classification through an automated scoring system. Utilizing variant allele frequency, disease prevalence and penetrance estimates, and inheritance mode, an automated score was calculated to assess if this variant is too frequent to cause the disease. Based on the score and internal cut-off values, a variant classified as benign is not then subjected to further curation. The score for this variant resulted in a classification of benign for this disease.

Eurofins Ntd Llc (ga)
Classification: Benign. Last evaluated: 2014-01-17. Review status: criteria provided, single submitter. Criteria: EGL Classification Definitions 2015. Collection method: clinical testing. Allele origin: germline. Observed: 1 variant allele, 1 homozygote.

Breakthrough Genomics
Classification: Benign. Review status: criteria provided, single submitter. Criteria: ACMG Guidelines, 2015. Collection method: not provided. Allele origin: germline. Inheritance: Autosomal recessive inheritance. Affected: yes.

PreventionGenetics, part of Exact Sciences
Classification: Benign. Review status: criteria provided, single submitter. Criteria: ACMG Guidelines, 2015. Collection method: clinical testing. Allele origin: germline.

Mayo Clinic Laboratories, Mayo Clinic
Classification: Benign. Last evaluated: 2015-10-21. Review status: no assertion criteria provided. Collection method: clinical testing. Allele origin: unknown. Not counted in ClinVar's aggregate classification.

Clinical Genetics, Academic Medical Center
Classification: Benign. Review status: no assertion criteria provided. Collection method: clinical testing. Allele origin: germline. Affected: yes. Study: VKGL Data-share Consensus. Not counted in ClinVar's aggregate classification.

Diagnostic Laboratory, Department of Genetics, University Medical Center Groningen
Classification: Benign for Refsum disease, classic. Review status: no assertion criteria provided. Collection method: clinical testing. Allele origin: germline. Affected: yes. Study: VKGL Data-share Consensus. Not counted in ClinVar's aggregate classification.

Genetic Services Laboratory, University of Chicago
Classification: Likely benign for AllHighlyPenetrant. Review status: no assertion criteria provided. Collection method: clinical testing. Allele origin: germline. Inheritance: Autosomal recessive inheritance. Not counted in ClinVar's aggregate classification.
Comment: Likely benign based on allele frequency in 1000 Genomes Project or ESP global frequency and its presence in a patient with a rare or unrelated disease phenotype. NOT Sanger confirmed.

NM_006214.4(PHYH):c.153C>T (p.Asn51=)

Gene: PHYH (phytanoyl-CoA 2-hydroxylase; minus strand). Cytogenetic location: 10p13.
Variant type: single nucleotide variant.
Coding change: c.153C>T on transcript NM_006214.4 (MANE Select); coding-DNA position 153, C replaced by T.
Protein change: p.Asn51=; no amino-acid change (asparagine 51 retained).
Molecular consequence: synonymous variant. On other transcripts: 5 prime UTR variant (3).
Genome position (GRCh38, 1-based): chr10:13,295,588, G>A on the plus strand (C>T on the coding strand, the complement: PHYH is on the minus strand). VCF-style: chr10-13295588-G-A. GRCh37 (hg19) VCF-style: chr10-13337588-G-A.
Other names: c.-148C>T (NM_001037537.2, NM_001323080.2, NM_001323084.2); c.153C>T, p.Asn51= (NM_001323082.2, NM_001323083.2).
Identifiers: ClinVar variation 129891 (VCV000129891.30), dbSNP rs1747682, ClinGen allele CA154243.
Genomic context (GRCh38, chr10:13,295,588, plus strand): 5'-ATTTTTGATTACTAGAAACCCATTTTCTTCATAAAATTTTCTCTGTTCCAGGGTTAGAAC[G>A]TTATTATCCAGAGTATACCTAAAGGAGAAAAAGAATCCCAAAATAAGTTACATTTTTAAA-3'
Protein context (NP_006205.1, residues 41-61): PQQFQYTLDN[Asn51=]VLTLEQRKFY